The following is an entry in ClinVar:

ClinVar aggregate classification (germline): Uncertain significance. Review status: criteria provided, multiple submitters, no conflicts (2 of 4 stars). 2 submissions from 2 submitters: Uncertain significance (2). Last evaluated 2022-03-09.

Allele frequency attached by ClinVar (database versions not stated): gnomAD exomes below 0.00001; TOPMed 0.00002; gnomAD 0.00003.

Submissions (2):

Labcorp Genetics (formerly Invitae), Labcorp
Classification: Uncertain significance. Last evaluated: 2022-03-09. Review status: criteria provided, single submitter. Criteria: Invitae Variant Classification Sherloc (09022015). Collection method: clinical testing. Allele origin: germline.
Comment: In summary, the available evidence is currently insufficient to determine the role of this variant in disease. Therefore, it has been classified as a Variant of Uncertain Significance. Advanced modeling of protein sequence and biophysical properties (such as structural, functional, and spatial information, amino acid conservation, physicochemical variation, residue mobility, and thermodynamic stability) performed at Invitae indicates that this missense variant is expected to disrupt GRM6 protein function. This variant has not been reported in the literature in individuals affected with GRM6-related conditions. This variant is present in population databases (no rsID available, gnomAD 0.01%). This sequence change replaces leucine, which is neutral and non-polar, with proline, which is neutral and non-polar, at codon 106 of the GRM6 protein (p.Leu106Pro).

Blueprint Genetics
Classification: Uncertain significance. Last evaluated: 2021-09-07. Review status: criteria provided, single submitter. Criteria: ACMG Guidelines, 2015. Collection method: clinical testing. Allele origin: germline.

NM_000843.4(GRM6):c.317T>C (p.Leu106Pro)

Gene: GRM6 (glutamate metabotropic receptor 6; minus strand). Cytogenetic location: 5q35.3.
Variant type: single nucleotide variant.
Coding change: c.317T>C on transcript NM_000843.4 (MANE Select); coding-DNA position 317, T replaced by C.
Protein change: p.Leu106Pro; replaces leucine 106 with proline.
Molecular consequence: missense variant.
Genome position (GRCh38, 1-based): chr5:178,994,628, A>G on the plus strand (T>C on the coding strand, the complement: GRM6 is on the minus strand). VCF-style: chr5-178994628-A-G. GRCh37 (hg19) VCF-style: chr5-178421629-A-G.
Other names: short protein forms L106P.
Identifiers: ClinVar variation 1367969 (VCV001367969.9), dbSNP rs1476773678, ClinGen allele CA362436631.